The following is an entry in ClinVar:

ClinVar aggregate classification (germline): Benign. Review status: reviewed by expert panel (3 of 4 stars). 11 submissions from 11 submitters: Benign (1). 10 of the submissions do not count toward it. Last evaluated 2017-04-18.

Conditions:
HRAS-related disorder. Also called: HRAS-related condition.
Linear nevus sebaceous syndrome. Also called: Nevus, Sebaceous of Jadassohn; SCHIMMELPENNING-FEUERSTEIN-MIMS SYNDROME, SOMATIC MOSAIC; Linear nevus sebaceous; Sebaceous nevus syndrome and hemimegalencephaly; Linear sebaceous nevus sequence; JADASSOHN NEVUS PHAKOMATOSIS. Identifiers: Orphanet 2612, MedGen C4552097, MONDO:0008097, OMIM 163200, HP:0010817.
Epidermal nevus. Also called: Nevus, epidermal, somatic; NEVUS, KERATINOCYTIC, NONEPIDERMOLYTIC. Identifiers: Orphanet 79414, MedGen C0334082, MONDO:0008093, OMIM 162900, HP:0010816.
Costello syndrome (CSTLO). Also called: HRAS-Related Costello Syndrome; FCS SYNDROME; FACIOCUTANEOSKELETAL SYNDROME. Identifiers: Orphanet 3071, MedGen C0587248, MONDO:0009026, OMIM 218040.
Malignant tumor of urinary bladder. Also called: Bladder cancer; Urinary Bladder Neoplasms; Urinary bladder cancer. Identifiers: MedGen C0005684, MONDO:0001187, OMIM 109800.
Thyroid cancer, nonmedullary, 2 (NMTC2). Also called: Thyroid carcinoma, follicular, somatic; THYROID CANCER, NONMEDULLARY, 2, SUSCEPTIBILITY TO; THYROID CARCINOMA, FOLLICULAR. Identifiers: MedGen C4225426, MONDO:0008566, OMIM 188470.
Large congenital melanocytic nevus (CMNS). Also called: Giant hairy nevus; Bathing trunk nevus; Congenital giant pigmented nevus; MELANOCYTIC NEVUS SYNDROME, CONGENITAL, SOMATIC; PIGMENTED MOLES; Congenital giant melanocytic nevus. Identifiers: Orphanet 626, MedGen C1842036, MONDO:0044792, OMIM 137550, HP:0005600.
Cardiovascular phenotype. Identifiers: MedGen CN230736.
Hereditary cancer-predisposing syndrome. Also called: Neoplastic Syndromes, Hereditary; Hereditary neoplastic syndrome; Hereditary Cancer Syndrome; Tumor predisposition. Identifiers: Orphanet 140162, MedGen C0027672, MeSH D009386, MONDO:0015356.
RASopathy. Also called: rasopathies; Noonan spectrum disorder. Identifiers: Orphanet 536391, MedGen C5555857, MONDO:0021060.

Allele frequency attached by ClinVar (database versions not stated): gnomAD 0.00004 and 0.00003; TOPMed 0.00005; ExAC 0.00017; gnomAD exomes 0.00023.
gnomAD v4.1: 74 of 1,613,046 alleles (0.0046%); highest among the groups gnomAD compares: Admixed American, 0.12%; no homozygotes.

Submissions (11):

ClinGen RASopathy Variant Curation Expert Panel
Classification: Benign for Noonan syndrome and Noonan-related syndrome. Last evaluated: 2017-04-18. Review status: reviewed by expert panel. Criteria: ClinGen RASopathy ACMG Specifications v1. Collection method: curation. Allele origin: germline. Inheritance: Autosomal dominant inheritance.
Comment: The filtering allele frequency of the c.520C>T (p.Pro174Ser) variant in the HRAS gene is 0.115% (20/11482) of Latino chromosomes by the Exome Aggregation Consortium, which is a high enough frequency to be classified as benign based on thresholds defined by the ClinGen RASopathy Expert Panel (BA1; PMID:29493581)

CeGaT Center for Human Genetics Tuebingen
Classification: Likely benign. Last evaluated: 2026-07-01. Review status: criteria provided, single submitter. Criteria: CeGaT Center For Human Genetics Tuebingen Variant Classification Criteria Version 2. Collection method: clinical testing. Allele origin: germline. Affected: yes. Observed: 3 variant alleles. Not counted in ClinVar's aggregate classification.
Comment: HRAS: BS1

Ambry Genetics
Classification: Benign for Cardiovascular phenotype. Last evaluated: 2026-01-06. Review status: criteria provided, single submitter. Criteria: Ambry Variant Classification Scheme 2023. Collection method: clinical testing. Allele origin: germline. Not counted in ClinVar's aggregate classification.

Labcorp Genetics (formerly Invitae), Labcorp
Classification: Likely benign for Costello syndrome. Last evaluated: 2026-01-06. Review status: criteria provided, single submitter. Criteria: Invitae Variant Classification Sherloc (09022015). Collection method: clinical testing. Allele origin: germline. Not counted in ClinVar's aggregate classification.

Blueprint Genetics
Classification: Benign. Last evaluated: 2023-08-08. Review status: criteria provided, single submitter. Criteria: ACMG Guidelines, 2015. Collection method: clinical testing. Allele origin: germline. Not counted in ClinVar's aggregate classification.

Sema4
Classification: Likely benign for Hereditary cancer-predisposing syndrome. Last evaluated: 2022-02-19. Review status: criteria provided, single submitter. Criteria: Sema4 Curation Guidelines. Collection method: curation. Allele origin: germline. Not counted in ClinVar's aggregate classification.

Women's Health and Genetics/Laboratory Corporation of America, LabCorp
Classification: Benign. Last evaluated: 2018-12-11. Review status: criteria provided, single submitter. Criteria: LabCorp Variant Classification Summary - May 2015. Collection method: clinical testing. Allele origin: germline. Not counted in ClinVar's aggregate classification.
Comment: Variant summary: HRAS c.520C>T (p.Pro174Ser) results in a non-conservative amino acid change in the encoded protein sequence. Three of five in-silico tools predict a benign effect of the variant on protein function. The variant allele was found at a frequency of 0.00023 in 275570 control chromosomes, predominantly at a frequency of 0.0018 within the Latino subpopulation in the gnomAD database. The observed variant frequency within Latino control individuals in the gnomAD database is approximately 720 fold of the estimated maximal expected allele frequency for a pathogenic variant in HRAS causing Noonan Syndrome and Related Conditions phenotype (2.5e-06), strongly suggesting that the variant is a benign polymorphism found primarily in populations of Latino origin. c.520C>T has been reported in the literature in an individual affected with Costello Syndrome, without strong evidence for pathogenicity (Johnson_2014). These report(s) do not provide unequivocal conclusions about association of the variant with Noonan Syndrome and Related Conditions. Three ClinVar submissions including the ClinGen RASopathy Expert Panel, an FDA recognized database cite the variant as likely benign/benign (evaluation after 2014). Based on the evidence outlined above, the variant was classified as benign.

Fulgent Genetics
Classification: Likely benign for Malignant tumor of urinary bladder; Large congenital melanocytic nevus; Epidermal nevus; Linear nevus sebaceous syndrome; Thyroid cancer, nonmedullary, 2; Costello syndrome. Last evaluated: 2018-10-31. Review status: criteria provided, single submitter. Criteria: ACMG Guidelines, 2015. Collection method: clinical testing. Allele origin: unknown. Not counted in ClinVar's aggregate classification.

GeneDx
Classification: Benign. Last evaluated: 2017-09-15. Review status: criteria provided, single submitter. Criteria: GeneDx Variant Classification (06012015). Collection method: clinical testing. Allele origin: germline. Affected: yes. Not counted in ClinVar's aggregate classification.
Comment: This variant is considered likely benign or benign based on one or more of the following criteria: it is a conservative change, it occurs at a poorly conserved position in the protein, it is predicted to be benign by multiple in silico algorithms, and/or has population frequency not consistent with disease.

Laboratory for Molecular Medicine, Mass General Brigham Personalized Medicine
Classification: Uncertain significance. Last evaluated: 2012-08-10. Review status: criteria provided, single submitter. Criteria: LMM Criteria. Collection method: clinical testing. Allele origin: germline. Observed: 1 variant allele. Not counted in ClinVar's aggregate classification.
Comment: The Pro174Ser variant in HRAS has not been reported in the literature nor previo usly identified by our laboratory. Functional studies suggest the Pro174Ser vari ant would not significantly impact HRAS signaling (Yong 2011). However, this in vitro assay may not accurately represent biological function. Computational anal yses (biochemical amino acid properties, conservation, AlignGVGD, PolyPhen2, and SIFT) do not provide strong support for or against an impact to the protein. In summary, additional information is needed to fully assess the clinical signific ance of the Pro174Ser variant.

PreventionGenetics, part of Exact Sciences
Classification: Likely benign for HRAS-related condition. Last evaluated: 2020-01-13. Review status: no assertion criteria provided. Collection method: clinical testing. Allele origin: germline. Not counted in ClinVar's aggregate classification.
Comment: This variant is classified as likely benign based on ACMG/AMP sequence variant interpretation guidelines (Richards et al. 2015 PMID: 25741868, with internal and published modifications).

Literature cited by the submitters: PubMed 25346259 (cited by Women's Health and Genetics/Laboratory Corporation of America, LabCorp); PubMed 21403836 (cited by Laboratory for Molecular Medicine, Mass General Brigham Personalized Medicine).

NM_005343.4(HRAS):c.520C>T (p.Pro174Ser)

Genes: HRAS (HRas proto-oncogene, GTPase; minus strand), LRRC56 (leucine rich repeat containing 56; plus strand). Cytogenetic location: 11p15.5.
Variant type: single nucleotide variant.
Coding change: c.520C>T on transcript NM_005343.4 (MANE Select); coding-DNA position 520, C replaced by T.
Protein change: p.Pro174Ser; replaces proline 174 with serine.
Molecular consequence: missense variant. On other transcripts: 3 prime UTR variant (1).
Genome position (GRCh38, 1-based): chr11:532,686, G>A on the plus strand (C>T on the coding strand, the complement: HRAS is on the minus strand). VCF-style: chr11-532686-G-A. GRCh37 (hg19) VCF-style: chr11-532686-G-A.
Other names: NM_005343.3(HRAS):c.520C>T; p.Pro174Ser; c.520C>T, p.Pro174Ser (NM_001130442.3); c.283C>T, p.Pro95Ser (NM_001318054.2); c.*89C>T (NM_176795.5); c.520C>T (NM_005343.3); short protein forms P174S, P95S.
Identifiers: ClinVar variation 40448 (VCV000040448.25), dbSNP rs397517144, ClinGen allele CA135994.